The following is an entry in ClinVar:

NM_006019.4(TCIRG1):c.2202C>A (p.Tyr734Ter)

Gene: TCIRG1 (T cell immune regulator 1, ATPase H+ transporting V0 subunit a3; plus strand). Cytogenetic location: 11q13.2.
Variant type: single nucleotide variant.
Coding change: c.2202C>A on transcript NM_006019.4 (MANE Select); coding-DNA position 2202, C replaced by A.
Protein change: p.Tyr734Ter; replaces tyrosine 734 with a stop codon.
Molecular consequence: nonsense.
Genome position (GRCh38, 1-based): chr11:68,050,220, C>A. VCF-style: chr11-68050220-C-A. GRCh37 (hg19) VCF-style: chr11-67817687-C-A.
Other names: c.1308C>A, p.Tyr436Ter (NM_001351059.2); c.1554C>A, p.Tyr518Ter (NM_006053.4); short protein forms Y436*, Y734*, Y518*.
Identifiers: ClinVar variation 2889639 (VCV002889639.3), dbSNP rs1418553655, ClinGen allele CA381590600.
Genomic context (GRCh38, chr11:68,050,220, plus strand): 5'-GCACCAGGCCATCCACACCATCGAGTTCTGCCTGGGCTGCGTCTCCAACACCGCCTCCTA[C>A]CTGCGCCTGTGGGCCCTGAGCCTGGCCCACGCCCGTGAGTGACCTGGCCACCGACGGCTG-3'

ClinVar aggregate classification (germline): Pathogenic (1 of 4 stars; one submission).

Submission:

Labcorp Genetics (formerly Invitae), Labcorp
Classification: Pathogenic. Last evaluated: 2023-02-16. Review status: criteria provided, single submitter. Criteria: Invitae Variant Classification Sherloc (09022015). Collection method: clinical testing. Allele origin: germline.
Comment: This sequence change creates a premature translational stop signal (p.Tyr734*) in the TCIRG1 gene. It is expected to result in an absent or disrupted protein product. Loss-of-function variants in TCIRG1 are known to be pathogenic (PMID: 10888887, 10942435, 11532986, 19448635). This variant is not present in population databases (gnomAD no frequency). This variant has not been reported in the literature in individuals affected with TCIRG1-related conditions. For these reasons, this variant has been classified as Pathogenic.

Literature cited by the submitters: PubMed 10888887; PubMed 10942435; PubMed 11532986; PubMed 19448635.